The following is an entry in ClinVar:

ClinVar aggregate classification (germline): Conflicting classifications of pathogenicity. Review status: criteria provided, conflicting classifications (1 of 4 stars). 3 submissions from 3 submitters: Uncertain significance (1); Likely benign (1). 1 of the submissions does not count toward it. Last evaluated 2026-01-24.

Conditions:
ABCB4-related disorder. Also called: ABCB4-related disorders; ABCB4-related condition.

Allele frequency attached by ClinVar (database versions not stated): gnomAD 0.00004 and 0.00005; TOPMed 0.00005; gnomAD exomes 0.00015 and 0.00003; ExAC 0.00016; 1000 Genomes Project 30x 0.00047; 1000 Genomes Project 0.00060.
gnomAD v4.1: 66 of 1,614,006 alleles (0.0041%); highest among the groups gnomAD compares: East Asian, 0.1%; no homozygotes.

Submissions (3):

Labcorp Genetics (formerly Invitae), Labcorp
Classification: Likely benign. Last evaluated: 2026-01-24. Review status: criteria provided, single submitter. Criteria: Invitae Variant Classification Sherloc (09022015). Collection method: clinical testing. Allele origin: germline.

Eurofins Ntd Llc (ga)
Classification: Uncertain significance. Last evaluated: 2018-07-25. Review status: criteria provided, single submitter. Criteria: EGL ClinVar v180209 classification definitions. Collection method: clinical testing. Allele origin: germline. Observed: 2 variant alleles, 2 heterozygotes.

PreventionGenetics, part of Exact Sciences
Classification: Likely benign for ABCB4-related condition. Last evaluated: 2021-03-10. Review status: no assertion criteria provided. Collection method: clinical testing. Allele origin: germline. Not counted in ClinVar's aggregate classification.
Comment: This variant is classified as likely benign based on ACMG/AMP sequence variant interpretation guidelines (Richards et al. 2015 PMID: 25741868, with internal and published modifications).

NM_000443.4(ABCB4):c.1356+10A>G

Gene: ABCB4 (ATP binding cassette subfamily B member 4; minus strand). Cytogenetic location: 7q21.12.
Variant type: single nucleotide variant.
Coding change: c.1356+10A>G on transcript NM_000443.4 (MANE Select); 10 bases into the intron after coding-DNA position 1356, A replaced by G.
Molecular consequence: intron variant.
Genome position (GRCh38, 1-based): chr7:87,443,309, T>C on the plus strand (A>G on the coding strand, the complement: ABCB4 is on the minus strand). VCF-style: chr7-87443309-T-C. GRCh37 (hg19) VCF-style: chr7-87072625-T-C.
Other names: c.1356+10A>G (NM_018850.3, NM_018849.3, NM_000443.3).
Identifiers: ClinVar variation 502641 (VCV000502641.10), dbSNP rs374723850, ClinGen allele CA4327312.